The following is an entry in ClinVar:

ClinVar aggregate classification (germline): Uncertain significance (1 of 4 stars; one submission).

Conditions:
Diastrophic dysplasia (DTD). Also called: Diastrophic dwarfism. Identifiers: Orphanet 628, MedGen C0220726, MONDO:0009107, OMIM 222600.
Multiple epiphyseal dysplasia type 4 (EDM4). Also called: Multiple Epiphyseal Dysplasia, Recessive; MULTIPLE EPIPHYSEAL DYSPLASIA WITH BILAYERED PATELLAE; MULTIPLE EPIPHYSEAL DYSPLASIA WITH CLUBFOOT; MULTIPLE EPIPHYSEAL DYSPLASIA, AUTOSOMAL RECESSIVE; SLC26A2-Related Multiple Epiphyseal Dysplasia. Identifiers: Orphanet 93307, MedGen C1847593, MONDO:0009189, OMIM 226900.
Achondrogenesis, type IB (ACG1B). Also called: Achondrogenesis Type 1B. Identifiers: Orphanet 932, Orphanet 93298, MedGen C0265274, MONDO:0010966, OMIM 600972.
Atelosteogenesis type II (AO2). Also called: NEONATAL OSSEOUS DYSPLASIA I; Neonatal osseous dysplasia 1; SLC26A2-Related Atelosteogenesis. Identifiers: Orphanet 56304, MedGen C1850554, MONDO:0009727, OMIM 256050.

Submission:

Labcorp Genetics (formerly Invitae), Labcorp
Classification: Uncertain significance for Atelosteogenesis type II; Multiple epiphyseal dysplasia type 4; Achondrogenesis, type IB; Diastrophic dysplasia. Last evaluated: 2025-01-16. Review status: criteria provided, single submitter. Criteria: Invitae Variant Classification Sherloc (09022015). Collection method: clinical testing. Allele origin: germline.
Comment: This sequence change replaces leucine, which is neutral and non-polar, with histidine, which is basic and polar, at codon 272 of the SLC26A2 protein (p.Leu272His). This variant is not present in population databases (gnomAD no frequency). This variant has not been reported in the literature in individuals affected with SLC26A2-related conditions. Invitae Evidence Modeling of protein sequence and biophysical properties (such as structural, functional, and spatial information, amino acid conservation, physicochemical variation, residue mobility, and thermodynamic stability) indicates that this missense variant is expected to disrupt SLC26A2 protein function with a positive predictive value of 80%. In summary, the available evidence is currently insufficient to determine the role of this variant in disease. Therefore, it has been classified as a Variant of Uncertain Significance.

NM_000112.4(SLC26A2):c.815T>A (p.Leu272His)

Gene: SLC26A2 (solute carrier family 26 member 2; plus strand). Cytogenetic location: 5q32.
Variant type: single nucleotide variant.
Coding change: c.815T>A on transcript NM_000112.4 (MANE Select); coding-DNA position 815, T replaced by A.
Protein change: p.Leu272His; replaces leucine 272 with histidine.
Molecular consequence: missense variant.
Genome position (GRCh38, 1-based): chr5:149,980,408, T>A. VCF-style: chr5-149980408-T-A. GRCh37 (hg19) VCF-style: chr5-149359971-T-A.
Other names: short protein forms L272H.
Identifiers: ClinVar variation 3758458 (VCV003758458.2).